The following is an entry in ClinVar:

ClinVar aggregate classification (germline): Uncertain significance (1 of 4 stars; one submission).

Conditions:
Stormorken syndrome (STRMK). Also called: THROMBOCYTOPATHY, ASPLENIA, AND MIOSIS. Identifiers: Orphanet 3204, MedGen C1861451, MONDO:0008497, OMIM 185070.
Myopathy with tubular aggregates (TAM). Also called: Tubular Aggregate Myopathy. Identifiers: Orphanet 2593, MedGen C0410207, MONDO:0008051.
Combined immunodeficiency due to STIM1 deficiency. Also called: IMMUNODEFICIENCY 10; STIM1 DEFICIENCY. Identifiers: Orphanet 169090, Orphanet 317430, MedGen C2748557, MONDO:0013008, OMIM 612783.

gnomAD v4.1: 5 of 1,614,200 alleles (0.00031%); highest among the groups gnomAD compares: Non-Finnish European, 0.00042%; no homozygotes.

Submission:

Labcorp Genetics (formerly Invitae), Labcorp
Classification: Uncertain significance for Myopathy with tubular aggregates; Combined immunodeficiency due to STIM1 deficiency; Stormorken syndrome. Last evaluated: 2021-06-19. Review status: criteria provided, single submitter. Criteria: Invitae Variant Classification Sherloc (09022015). Collection method: clinical testing. Allele origin: germline.
Comment: Algorithms developed to predict the effect of missense changes on protein structure and function (SIFT, PolyPhen-2, Align-GVGD) all suggest that this variant is likely to be tolerated, but these predictions have not been confirmed by published functional studies and their clinical significance is uncertain. In summary, the available evidence is currently insufficient to determine the role of this variant in disease. Therefore, it has been classified as a Variant of Uncertain Significance. This variant has not been reported in the literature in individuals with STIM1-related conditions. This variant is not present in population databases (ExAC no frequency). This sequence change replaces valine with leucine at codon 630 of the STIM1 protein (p.Val630Leu). The valine residue is weakly conserved and there is a small physicochemical difference between valine and leucine.

NM_001382567.1(STIM1):c.1981G>C (p.Val661Leu)

Genes: STIM1 (stromal interaction molecule 1; plus strand), LOC124418421 (Sharpr-MPRA regulatory region 9588; plus strand). Cytogenetic location: 11p15.4.
Variant type: single nucleotide variant.
Coding change: c.1981G>C on transcript NM_001382567.1 (MANE Select); coding-DNA position 1981, G replaced by C.
Protein change: p.Val661Leu; replaces valine 661 with leucine.
Molecular consequence: missense variant. On other transcripts: 3 prime UTR variant (4), non-coding transcript variant (3).
Genome position (GRCh38, 1-based): chr11:4,091,628, G>C. VCF-style: chr11-4091628-G-C. GRCh37 (hg19) VCF-style: chr11-4112858-G-C.
Other names: c.2206G>C, p.Val736Leu (NM_001277961.3); c.*302G>C (NM_001277962.2, NM_001382578.1, NM_001382579.1 and 1 more transcripts); c.1984G>C, p.Val662Leu (NM_001382566.1); c.1909G>C, p.Val637Leu (NM_001382568.1); c.1753G>C, p.Val585Leu (NM_001382569.1); c.1660G>C, p.Val554Leu (NM_001382570.1); c.1408G>C, p.Val470Leu (NM_001382571.1); c.1666G>C, p.Val556Leu (NM_001382575.1, NM_001382576.1, NM_001382577.1); and 2 more; short protein forms V637L, V661L, V662L, V585L, V467L, V554L, V470L, V556L.
Identifiers: ClinVar variation 1362297 (VCV001362297.8), dbSNP rs1590703566, ClinGen allele CA379197806.